The following is an entry in ClinVar:

ClinVar aggregate classification (germline): Uncertain significance (1 of 4 stars; one submission).

Conditions:
Combined oxidative phosphorylation deficiency 28 (COXPD28). Identifiers: Orphanet 466784, MedGen C5569081, MONDO:0014775, OMIM 616794.

gnomAD v4.1: 80 of 1,465,876 alleles (0.0055%); highest among the groups gnomAD compares: Non-Finnish European, 0.0067%; no homozygotes.

Submission:

Clinical Genomics Laboratory, Washington University in St. Louis
Classification: Uncertain significance for Combined oxidative phosphorylation deficiency 28. Last evaluated: 2025-12-20. Review status: criteria provided, single submitter. Criteria: ACMG Guidelines, 2015. Collection method: clinical testing. Allele origin: germline.
Comment: The SLC25A26 c.50G>T (p.Gly17Val) variant, to our knowledge, has not been reported in the medical literature. This variant is only observed in 80/1,465,876 alleles in the general population (gnomAD v4.1.0), indicating it is not a common variant. Computational predictors indicate that the variant is damaging, evidence that correlates with impact on SLC25A26 function. Due to limited information, and based on ACMG/AMP guidelines for variant interpretation (Richards S et al., PMID: 25741868), the clinical significance of this variant is uncertain at this time.

NM_001379210.1(SLC25A26):c.50G>T (p.Gly17Val)

Gene: SLC25A26 (solute carrier family 25 member 26; plus strand). Cytogenetic location: 3p14.1.
Variant type: single nucleotide variant.
Coding change: c.50G>T on transcript NM_001379210.1 (MANE Select); coding-DNA position 50, G replaced by T.
Protein change: p.Gly17Val; replaces glycine 17 with valine.
Molecular consequence: missense variant. On other transcripts: 5 prime UTR variant (2), non-coding transcript variant (8), intron variant (3).
Genome position (GRCh38, 1-based): chr3:66,236,560, G>T. VCF-style: chr3-66236560-G-T. GRCh37 (hg19) VCF-style: chr3-66286984-G-T.
Other names: c.-215G>T (NM_001350993.1, NM_001400711.1); c.50G>T, p.Gly17Val (NM_001400705.1, NM_001400707.1, NM_173471.4); c.-74-6643G>T (NM_001164796.1, NM_001400709.1, NM_001400714.1); short protein forms G17V.
Identifiers: ClinVar variation 4879556 (VCV004879556.1).